The following is an entry in ClinVar:

NM_003331.5(TYK2):c.2036G>A (p.Arg679His)

Gene: TYK2 (tyrosine kinase 2; minus strand). Cytogenetic location: 19p13.2.
Variant type: single nucleotide variant.
Coding change: c.2036G>A on transcript NM_003331.5 (MANE Select); coding-DNA position 2036, G replaced by A.
Protein change: p.Arg679His; replaces arginine 679 with histidine.
Molecular consequence: missense variant.
Genome position (GRCh38, 1-based): chr19:10,361,522, C>T on the plus strand (G>A on the coding strand, the complement: TYK2 is on the minus strand). VCF-style: chr19-10361522-C-T. GRCh37 (hg19) VCF-style: chr19-10472198-C-T.
Other names: c.2036G>A, p.Arg679His (NM_001385197.1, NM_001385198.1, NM_001385200.1 and 2 more transcripts); c.1850G>A, p.Arg617His (NM_001385199.1); c.1838G>A, p.Arg613His (NM_001385201.1); c.1952G>A, p.Arg651His (NM_001385202.1); c.1946G>A, p.Arg649His (NM_001385205.1); c.1910G>A, p.Arg637His (NM_001385206.1); c.2018G>A, p.Arg673His (NM_001385207.1); short protein forms R649H, R613H, R637H, R673H, R679H, R651H, R617H.
Identifiers: ClinVar variation 1411985 (VCV001411985.5), dbSNP rs200247986, ClinGen allele CA305203872.

ClinVar aggregate classification (germline): Uncertain significance (1 of 4 stars; one submission).

Conditions:
Immunodeficiency 35 (IMD35). Also called: TYK2 DEFICIENCY; Susceptibility to infection due to TYK2 deficiency; HIES WITH ATYPICAL MYCOBACTERIOSIS, AUTOSOMAL RECESSIVE; HYPER-IgE SYNDROME WITH ATYPICAL MYCOBACTERIOSIS, AUTOSOMAL RECESSIVE. Identifiers: Orphanet 331226, MedGen C1969086, MONDO:0012682, OMIM 611521.

Submission:

Labcorp Genetics (formerly Invitae), Labcorp
Classification: Uncertain significance for Immunodeficiency 35. Last evaluated: 2022-04-04. Review status: criteria provided, single submitter. Criteria: Invitae Variant Classification Sherloc (09022015). Collection method: clinical testing. Allele origin: germline.
Comment: This sequence change replaces arginine, which is basic and polar, with histidine, which is basic and polar, at codon 679 of the TYK2 protein (p.Arg679His). This variant is present in population databases (rs200247986, gnomAD 0.01%). This variant has not been reported in the literature in individuals affected with TYK2-related conditions. Algorithms developed to predict the effect of missense changes on protein structure and function output the following: SIFT: "Not Available"; PolyPhen-2: "Benign"; Align-GVGD: "Not Available". The histidine amino acid residue is found in multiple mammalian species, which suggests that this missense change does not adversely affect protein function. In summary, the available evidence is currently insufficient to determine the role of this variant in disease. Therefore, it has been classified as a Variant of Uncertain Significance.